The following is an entry in ClinVar:

NM_000245.4(MET):c.564A>G (p.Val188=)

Gene: MET (MET proto-oncogene, receptor tyrosine kinase; plus strand). Cytogenetic location: 7q31.2.
Variant type: single nucleotide variant.
Coding change: c.564A>G on transcript NM_000245.4 (MANE Select); coding-DNA position 564, A replaced by G.
Protein change: p.Val188=; no amino-acid change (valine 188 retained).
Molecular consequence: synonymous variant. On other transcripts: intron variant (1).
Genome position (GRCh38, 1-based): chr7:116,699,648, A>G. VCF-style: chr7-116699648-A-G. GRCh37 (hg19) VCF-style: chr7-116339702-A-G.
Other names: c.564A>G, p.Val188= (NM_001127500.3, NM_001324401.3); c.-91+27071A>G (NM_001324402.2).
Identifiers: ClinVar variation 3233002 (VCV003233002.2), dbSNP rs1791489742, ClinGen allele CA457447773.

ClinVar aggregate classification (germline): Benign/Likely benign. Review status: criteria provided, multiple submitters, no conflicts (2 of 4 stars). 2 submissions from 2 submitters: Benign (1); Likely benign (1). Last evaluated 2024-11-06.

Conditions:
Hereditary cancer-predisposing syndrome. Also called: Neoplastic Syndromes, Hereditary; Tumor predisposition; Hereditary neoplastic syndrome; Hereditary Cancer Syndrome. Identifiers: Orphanet 140162, MedGen C0027672, MeSH D009386, MONDO:0015356.
Papillary renal cell carcinoma type 1 (RCCP1). Also called: RENAL CELL CARCINOMA, PAPILLARY, 1, SOMATIC; Renal adenocarcinoma; Renal cell carcinoma 1; Renal cell carcinoma, somatic. Identifiers: Orphanet 47044, MedGen C1336839, OMIM 605074, HP:0011797.

Allele frequency attached by ClinVar (database versions not stated): gnomAD exomes below 0.00001.
gnomAD v4.1: 1 of 1,614,022 alleles (0.000062%); highest among the groups gnomAD compares: South Asian, 0.0011%; no homozygotes.

Submissions (2):

Myriad Genetics, Inc.
Classification: Benign for Papillary renal cell carcinoma type 1. Last evaluated: 2024-11-06. Review status: criteria provided, single submitter. Criteria: Myriad Autosomal Dominant, Autosomal Recessive and X-Linked Classification Criteria (2023). Collection method: clinical testing. Allele origin: unknown.
Comment: This variant is considered benign. This variant is a silent/synonymous amino acid change and it is not expected to impact splicing.

Ambry Genetics
Classification: Likely benign for Hereditary cancer-predisposing syndrome. Last evaluated: 2023-10-01. Review status: criteria provided, single submitter. Criteria: Ambry Variant Classification Scheme 2023. Collection method: clinical testing. Allele origin: germline.